The following is an entry in ClinVar:

NM_000536.4(RAG2):c.356A>T (p.Lys119Met)

Gene: RAG2 (recombination activating 2; minus strand). Cytogenetic location: 11p12.
Variant type: single nucleotide variant.
Coding change: c.356A>T on transcript NM_000536.4 (MANE Select); coding-DNA position 356, A replaced by T.
Protein change: p.Lys119Met; replaces lysine 119 with methionine.
Molecular consequence: missense variant.
Genome position (GRCh38, 1-based): chr11:36,593,813, T>A on the plus strand (A>T on the coding strand, the complement: RAG2 is on the minus strand). VCF-style: chr11-36593813-T-A. GRCh37 (hg19) VCF-style: chr11-36615363-T-A.
Other names: c.356A>T, p.Lys119Met (NM_001243785.2, NM_001243786.2); short protein forms K119M.
Identifiers: ClinVar variation 2941686 (VCV002941686.3), dbSNP rs1851093843, ClinGen allele CA380143445.

ClinVar aggregate classification (germline): Uncertain significance (1 of 4 stars; one submission).

Conditions:
Severe combined immunodeficiency, autosomal recessive, T cell-negative, B cell-negative, NK cell-positive. Also called: SCID, T CELL-NEGATIVE, B CELL-NEGATIVE, NK CELL-POSITIVE; SCID, AR, T-cell negative, B-cell negative, NK cell-positive; Severe combined immunodeficiency due to complete RAG1/2 deficiency. Identifiers: Orphanet 331206, MedGen C1832322, MONDO:0011086, OMIM 601457.
Combined immunodeficiency with skin granulomas. Identifiers: Orphanet 157949, MedGen C2673536, MONDO:0009306, OMIM 233650.

Submission:

Labcorp Genetics (formerly Invitae), Labcorp
Classification: Uncertain significance for Combined immunodeficiency with skin granulomas; Severe combined immunodeficiency, autosomal recessive, T cell-negative, B cell-negative, NK cell-positive. Last evaluated: 2022-11-20. Review status: criteria provided, single submitter. Criteria: Invitae Variant Classification Sherloc (09022015). Collection method: clinical testing. Allele origin: germline.
Comment: This sequence change replaces lysine, which is basic and polar, with methionine, which is neutral and non-polar, at codon 119 of the RAG2 protein (p.Lys119Met). This variant is not present in population databases (gnomAD no frequency). This variant has not been reported in the literature in individuals affected with RAG2-related conditions. Advanced modeling of protein sequence and biophysical properties (such as structural, functional, and spatial information, amino acid conservation, physicochemical variation, residue mobility, and thermodynamic stability) performed at Invitae indicates that this missense variant is expected to disrupt RAG2 protein function. In summary, the available evidence is currently insufficient to determine the role of this variant in disease. Therefore, it has been classified as a Variant of Uncertain Significance.